The following is an entry in ClinVar:

NM_001384140.1(PCDH15):c.4098_4099dup (p.Gly1367fs)

Gene: PCDH15 (protocadherin related 15; minus strand). Cytogenetic location: 10q21.1.
Variant type: Microsatellite.
Coding change: c.4098_4099dup on transcript NM_001384140.1 (MANE Select); coding-DNA positions 4098 to 4099, 2 bases duplicated (AG; older notation c.4098_4099dupAG).
Protein change: p.Gly1367fs; shifts the reading frame from glycine 1367.
Molecular consequence: frameshift variant.
Genome position (GRCh38, 1-based): chr10:53,831,418-53,831,419, CT duplicated on the plus strand (AG on the coding strand, the reverse complement: PCDH15 is on the minus strand); duplicating any 2 consecutive bases within chr10:53,831,418-53,831,423 gives the same sequence; the c. name uses the placement nearest the transcript's 3' end. VCF-style (leftmost placement, unchanged base first): chr10-53831417-C-CCT. GRCh37 (hg19) VCF-style: chr10-55591177-C-CCT.
Other names: c.4113_4114dup, p.Gly1372fs (NM_001142763.2, NM_001142771.2); c.4098_4099dup, p.Gly1367fs (NM_001142764.2, NM_001142766.2, NM_001142770.3 and 4 more transcripts); c.3885_3886dup, p.Gly1296fs (NM_001142765.2); c.3987_3988dup, p.Gly1330fs (NM_001142767.2); c.4032_4033dup, p.Gly1345fs (NM_001142768.2, NM_001142773.2, NM_001354404.2); c.4130_4131AG[4], p.Gly1379Glufs (NM_001142769.4); c.4119_4120dup, p.Gly1374fs (NM_001354411.2); short protein forms G1296fs, G1330fs, G1345fs, G1367fs, G1372fs, G1374fs, G1379fs.
Identifiers: ClinVar variation 1724143 (VCV001724143.2), dbSNP rs2077007633, ClinGen allele CA2580615474.
Genomic context (GRCh38, chr10:53,831,417, plus strand): 5'-CAGAGGATGATGATGAAGGCCAGAGCCAACAAGGCCCCTTCTGTGTATCCTAGACTTTCT[C>CCT]CTCTCTTTTTAATGCTGGTCACTGCCTCTGGAGTCCGGATCTCCAGAATGCGTCCTCCTT-3'

ClinVar aggregate classification (germline): Likely pathogenic (1 of 4 stars; one submission).

Conditions:
Usher syndrome type 1D (USH1D). Also called: USHER SYNDROME, TYPE ID. Identifiers: Orphanet 231169, Orphanet 886, MedGen C1832845, MONDO:0010984, OMIM 601067.

Submission:

Myriad Genetics, Inc.
Classification: Likely pathogenic for Usher syndrome type 1D. Last evaluated: 2022-01-27. Review status: criteria provided, single submitter. Criteria: Myriad Women's Health Autosomal Recessive and X-Linked Classification Criteria (2021). Collection method: clinical testing. Allele origin: unknown.
Comment: NM_033056.3(PCDH15):c.4098_4099dupAG(G1367Efs*5) is expected to be pathogenic in the context of PCDH15-related disorders. This variant is predicted to lead to an abnormal or absent protein product due to the creation of a premature termination codon in PCDH15, a gene where loss-of-function variants are known to be pathogenic. Please note: this variant was assessed in the context of healthy population screening.